The following is an entry in ClinVar:

NM_177438.3(DICER1):c.2842G>T (p.Ala948Ser)

Gene: DICER1 (dicer 1, ribonuclease III; minus strand). Cytogenetic location: 14q32.13.
Variant type: single nucleotide variant.
Coding change: c.2842G>T on transcript NM_177438.3 (MANE Select); coding-DNA position 2842, G replaced by T.
Protein change: p.Ala948Ser; replaces alanine 948 with serine.
Molecular consequence: missense variant. On other transcripts: non-coding transcript variant (6).
Genome position (GRCh38, 1-based): chr14:95,106,186, C>A on the plus strand (G>T on the coding strand, the complement: DICER1 is on the minus strand). VCF-style: chr14-95106186-C-A. GRCh37 (hg19) VCF-style: chr14-95572523-C-A.
Other names: c.2842G>T, p.Ala948Ser (NM_001195573.1, NM_001271282.3, NM_001291628.2 and 13 more transcripts); c.2560G>T, p.Ala854Ser (NM_001395686.1); c.2437G>T, p.Ala813Ser (NM_001395687.1, NM_001395688.1, NM_001395689.1 and 2 more transcripts); c.2275G>T, p.Ala759Ser (NM_001395691.1); c.1159G>T, p.Ala387Ser (NM_001395697.1); short protein forms A854S, A387S, A813S, A759S, A948S.
Identifiers: ClinVar variation 2566215 (VCV002566215.2), dbSNP rs2542790626, ClinGen allele CA390879191.

ClinVar aggregate classification (germline): Uncertain significance (1 of 4 stars; one submission).

Conditions:
Hereditary cancer-predisposing syndrome. Also called: Neoplastic Syndromes, Hereditary; Hereditary Cancer Syndrome; Hereditary neoplastic syndrome; Tumor predisposition. Identifiers: Orphanet 140162, MedGen C0027672, MeSH D009386, MONDO:0015356.

Submission:

Ambry Genetics
Classification: Uncertain significance for Hereditary cancer-predisposing syndrome. Last evaluated: 2023-05-26. Review status: criteria provided, single submitter. Criteria: Ambry Variant Classification Scheme 2023. Collection method: clinical testing. Allele origin: germline.
Comment: The p.A948S variant (also known as c.2842G>T), located in coding exon 17 of the DICER1 gene, results from a G to T substitution at nucleotide position 2842. The alanine at codon 948 is replaced by serine, an amino acid with similar properties. This amino acid position is conserved. In addition, this alteration is predicted to be tolerated by in silico analysis. Since supporting evidence is limited at this time, the clinical significance of this alteration remains unclear.